The following is an entry in ClinVar:

NM_001267550.2(TTN):c.49287C>A (p.Asn16429Lys)

Genes: TTN (titin; minus strand), TTN-AS1 (TTN antisense RNA 1; plus strand). Cytogenetic location: 2q31.2.
Variant type: single nucleotide variant.
Coding change: c.49287C>A on transcript NM_001267550.2 (MANE Select); coding-DNA position 49287, C replaced by A.
Protein change: p.Asn16429Lys; replaces asparagine 16429 with lysine.
Molecular consequence: missense variant. On other transcripts: non-coding transcript variant (1).
Genome position (GRCh38, 1-based): chr2:178,614,110, G>T on the plus strand (C>A on the coding strand, the complement: TTN is on the minus strand). VCF-style: chr2-178614110-G-T. GRCh37 (hg19) VCF-style: chr2-179478837-G-T.
Other names: c.44364C>A, p.Asn14788Lys (NM_001256850.1); c.22092C>A, p.Asn7364Lys (NM_003319.4); c.41583C>A, p.Asn13861Lys (NM_133378.4); c.22467C>A, p.Asn7489Lys (NM_133432.3); c.22668C>A, p.Asn7556Lys (NM_133437.4); short protein forms N16429K, N7489K, N7556K, N7364K, N13861K, N14788K.
Identifiers: ClinVar variation 634902 (VCV000634902.5), dbSNP rs763809932, ClinGen allele CA349605528.
Genomic context (GRCh38, chr2:178,614,110, plus strand): 5'-ACCAAACTGATATTTGGCTGTTATTGGAGAGGCCTGAACTGGTTCACCAACACCATACAT[G>T]TTTTCTGCAGCAACTCTGAAGATGTACTCTTTATTGGGGATTAATTTGGTGGCCTTGAAG-3'
Protein context (NP_001254479.2, residues 16419-16439): KEYIFRVAAE[Asn16429Lys]MYGVGEPVQA

ClinVar aggregate classification (germline): Likely pathogenic (1 of 4 stars; one submission).

Conditions:
Third degree atrioventricular block. Identifiers: MedGen C0151517, MONDO:0000468, HP:0001709.

Submission:

Clinical Research Group, BGI genomics
Classification: Likely pathogenic for Third degree atrioventricular block. Last evaluated: 2018-11-16. Review status: criteria provided, single submitter. Criteria: ACMG Guidelines, 2015. Collection method: case-control. Allele origin: germline. Inheritance: Autosomal dominant inheritance. Affected: yes. Observed: 5 variant alleles. Clinical features observed: Third degree atrioventricular block (HP:0001709).
Comment: Whole-exome sequencing and subsequent co-segregation validation identified a novel germline heterozygous point missense mutation, c.49287C>A (p.N16429K), in the titin (TTN, NM_001267550.2) gene in a chinese family, in all 5 affected family members but not in the unaffected family members or in the large population. The point mutation is predicted to be functionally deleterious by in-silico software tools, and is further supported by the fact that this is conserved across species. In summary, the p.N16429K variant meets our criteria to be classified as likely pathogenic based upon segregation study, absence from control population, software prediction and evolutionary conservative analysis.

Literature cited by the submitters: PubMed 31470098.